The following is an entry in ClinVar:

ClinVar aggregate classification (germline): Uncertain significance (1 of 4 stars; one submission).

Submission:

GeneDx
Classification: Uncertain significance. Last evaluated: 2024-02-07. Review status: criteria provided, single submitter. Criteria: GeneDx Variant Classification Process June 2021. Collection method: clinical testing. Allele origin: germline. Affected: yes.
Comment: Not observed at significant frequency in large population cohorts (gnomAD); In silico analysis supports that this missense variant does not alter protein structure/function; Has not been previously published as pathogenic or benign to our knowledge

NM_005529.7(HSPG2):c.12170T>C (p.Val4057Ala)

Gene: HSPG2 (heparan sulfate proteoglycan 2; minus strand). Cytogenetic location: 1p36.12.
Variant type: single nucleotide variant.
Coding change: c.12170T>C on transcript NM_005529.7 (MANE Select); coding-DNA position 12170, T replaced by C.
Protein change: p.Val4057Ala; replaces valine 4057 with alanine.
Molecular consequence: missense variant.
Genome position (GRCh38, 1-based): chr1:21,828,902, A>G on the plus strand (T>C on the coding strand, the complement: HSPG2 is on the minus strand). VCF-style: chr1-21828902-A-G. GRCh37 (hg19) VCF-style: chr1-22155395-A-G.
Other names: c.12173T>C, p.Val4058Ala (NM_001291860.2); short protein forms V4057A, V4058A.
Identifiers: ClinVar variation 3368969 (VCV003368969.1).